The following is an entry in ClinVar:

ClinVar aggregate classification (germline): Uncertain significance. Review status: criteria provided, multiple submitters, no conflicts (2 of 4 stars). 3 submissions from 3 submitters: Uncertain significance (3). Last evaluated 2025-05-09.

Conditions:
BBS1-related disorder. Also called: BBS1-related condition.
Bardet-Biedl syndrome (BBS). Identifiers: Orphanet 110, MedGen C0752166, MONDO:0015229.

Allele frequency attached by ClinVar (database versions not stated): ESP Exome Variant Server 0.00008; gnomAD 0.00001; TOPMed 0.00001.
gnomAD v4.1: 80 of 1,614,060 alleles (0.005%); highest among the groups gnomAD compares: South Asian, 0.033%; no homozygotes.

Submissions (3):

PreventionGenetics, part of Exact Sciences
Classification: Uncertain significance for BBS1-related condition. Last evaluated: 2025-05-09. Review status: criteria provided, single submitter. Criteria: ACMG Guidelines, 2015. Collection method: clinical testing. Allele origin: germline.
Comment: The BBS1 c.794C>T variant is predicted to result in the amino acid substitution p.Ala265Val. This variant has been reported as heterozygous in an individual with obesity (Suppl Table 1. Roberts et al. 2022. PubMed ID: 35562395). This variant is reported in 0.020% of alleles in individuals of South Asian descent in gnomAD. At this time, the clinical significance of this variant is uncertain due to the absence of conclusive functional and genetic evidence.

GeneDx
Classification: Uncertain significance. Last evaluated: 2023-01-10. Review status: criteria provided, single submitter. Criteria: GeneDx Variant Classification Process June 2021. Collection method: clinical testing. Allele origin: germline. Affected: yes.
Comment: In silico analysis supports that this missense variant does not alter protein structure/function; Has not been previously published as pathogenic or benign to our knowledge

Labcorp Genetics (formerly Invitae), Labcorp
Classification: Uncertain significance for Bardet-Biedl syndrome. Last evaluated: 2022-06-09. Review status: criteria provided, single submitter. Criteria: Invitae Variant Classification Sherloc (09022015). Collection method: clinical testing. Allele origin: germline.
Comment: This sequence change replaces alanine, which is neutral and non-polar, with valine, which is neutral and non-polar, at codon 265 of the BBS1 protein (p.Ala265Val). This variant is present in population databases (rs372939761, gnomAD 0.02%). This variant has not been reported in the literature in individuals affected with BBS1-related conditions. Algorithms developed to predict the effect of missense changes on protein structure and function (SIFT, PolyPhen-2, Align-GVGD) all suggest that this variant is likely to be tolerated. In summary, the available evidence is currently insufficient to determine the role of this variant in disease. Therefore, it has been classified as a Variant of Uncertain Significance.

NM_024649.5(BBS1):c.794C>T (p.Ala265Val)

Genes: BBS1 (Bardet-Biedl syndrome 1; plus strand), ZDHHC24 (zDHHC palmitoyltransferase 24; minus strand). Cytogenetic location: 11q13.2.
Variant type: single nucleotide variant.
Coding change: c.794C>T on transcript NM_024649.5 (MANE Select); coding-DNA position 794, C replaced by T.
Protein change: p.Ala265Val; replaces alanine 265 with valine.
Molecular consequence: missense variant. On other transcripts: 3 prime UTR variant (1).
Genome position (GRCh38, 1-based): chr11:66,521,340, C>T. VCF-style: chr11-66521340-C-T. GRCh37 (hg19) VCF-style: chr11-66288811-C-T.
Other names: c.*148G>A (NM_001348571.2); short protein forms A265V.
Identifiers: ClinVar variation 2049802 (VCV002049802.5), dbSNP rs372939761, ClinGen allele CA6123495.